The following is an entry in ClinVar:

NM_000051.4(ATM):c.4801del (p.Ser1601fs)

Gene: ATM (ATM serine/threonine kinase; plus strand). Cytogenetic location: 11q22.3.
Variant type: Deletion.
Coding change: c.4801del on transcript NM_000051.4 (MANE Select); coding-DNA position 4801, one base deleted (A; older notation c.4801delA).
Protein change: p.Ser1601fs; shifts the reading frame from serine 1601.
Molecular consequence: frameshift variant.
Genome position (GRCh38, 1-based): chr11:108,294,951, A deleted; the last of 2 consecutive A bases (chr11:108,294,950-108,294,951); deleting either gives the same sequence. VCF-style (leftmost placement, unchanged base first): chr11-108294949-TA-T. GRCh37 (hg19) VCF-style: chr11-108165676-TA-T.
Other names: c.4801del, p.Ser1601fs (NM_001351834.2); short protein forms S1601fs.
Identifiers: ClinVar variation 2016650 (VCV002016650.4), dbSNP rs2546942537, ClinGen allele CA2580083435.

ClinVar aggregate classification (germline): Pathogenic (1 of 4 stars; one submission).

Conditions:
Ataxia-telangiectasia syndrome (AT). Also called: Cerebello-oculocutaneous telangiectasia; Immunodeficiency with ataxia telangiectasia; Ataxia telangiectasia (A-T); LOUIS-BAR SYNDROME; Ataxia-telangiectasia, complementation group D; AT, COMPLEMENTATION GROUP C. Identifiers: Orphanet 100, MedGen C0004135, MONDO:0008840, OMIM 208900.

Submission:

Labcorp Genetics (formerly Invitae), Labcorp
Classification: Pathogenic for Ataxia-telangiectasia syndrome. Last evaluated: 2022-07-13. Review status: criteria provided, single submitter. Criteria: Invitae Variant Classification Sherloc (09022015). Collection method: clinical testing. Allele origin: germline.
Comment: This sequence change creates a premature translational stop signal (p.Ser1601Valfs*8) in the ATM gene. It is expected to result in an absent or disrupted protein product. Loss-of-function variants in ATM are known to be pathogenic (PMID: 23807571, 25614872). This variant is not present in population databases (gnomAD no frequency). This variant has not been reported in the literature in individuals affected with ATM-related conditions. Algorithms developed to predict the effect of sequence changes on RNA splicing suggest that this variant may create or strengthen a splice site. For these reasons, this variant has been classified as Pathogenic.

Literature cited by the submitters: PubMed 23807571; PubMed 25614872.